The following is an entry in ClinVar:

ClinVar aggregate classification (germline): Uncertain significance (1 of 4 stars; one submission).

Conditions:
Familial thoracic aortic aneurysm and aortic dissection (TAAD). Also called: Thoracic aortic aneurysms and dissections. Identifiers: Orphanet 91387, MedGen C4707243, MONDO:0019625.

Submission:

Ambry Genetics
Classification: Uncertain significance for Familial thoracic aortic aneurysm and aortic dissection. Last evaluated: 2024-02-17. Review status: criteria provided, single submitter. Criteria: Ambry Variant Classification Scheme 2023. Collection method: clinical testing. Allele origin: germline.
Comment: The p.R1937G variant (also known as c.5809C>G), located in coding exon 31 of the NOTCH1 gene, results from a C to G substitution at nucleotide position 5809. The arginine at codon 1937 is replaced by glycine, an amino acid with dissimilar properties. This amino acid position is conserved. In addition, this alteration is predicted to be deleterious by in silico analysis. Based on the available evidence, the clinical significance of this alteration remains unclear.

NM_017617.5(NOTCH1):c.5809C>G (p.Arg1937Gly)

Gene: NOTCH1 (notch receptor 1; minus strand). Cytogenetic location: 9q34.3.
Variant type: single nucleotide variant.
Coding change: c.5809C>G on transcript NM_017617.5 (MANE Select); coding-DNA position 5809, C replaced by G.
Protein change: p.Arg1937Gly; replaces arginine 1937 with glycine.
Molecular consequence: missense variant.
Genome position (GRCh38, 1-based): chr9:136,500,677, G>C on the plus strand (C>G on the coding strand, the complement: NOTCH1 is on the minus strand). VCF-style: chr9-136500677-G-C. GRCh37 (hg19) VCF-style: chr9-139395129-G-C.
Other names: short protein forms R1937G.
Identifiers: ClinVar variation 3226979 (VCV003226979.1), dbSNP rs2133326034, ClinGen allele CA375636996.
Genomic context (GRCh38, chr9:136,500,677, plus strand): 5'-GGATGTTGGCATCTGCGCTGGCCTCCAGCAGGCGCTTGGCGGCATCAGAGCGTGAGTAGC[G>C]GGCGGCCAGGTGCAAGGCGGTCTCGCCCGTGCGGTCTGTCTGGTTGTGCAGGCTGGCGCC-3'
Protein context (NP_060087.3, residues 1927-1947): TGETALHLAA[Arg1937Gly]YSRSDAAKRL